The following is an entry in ClinVar:

ClinVar aggregate classification (germline): Uncertain significance (1 of 4 stars; one submission).

Conditions:
Oligodontia-cancer predisposition syndrome. Also called: TOOTH AGENESIS-COLORECTAL CANCER SYNDROME. Identifiers: Orphanet 300576, MedGen C1837750, MONDO:0012075, OMIM 608615. Disease mechanism: loss of function.

Submission:

Labcorp Genetics (formerly Invitae), Labcorp
Classification: Uncertain significance for Oligodontia-cancer predisposition syndrome. Last evaluated: 2021-03-06. Review status: criteria provided, single submitter. Criteria: Invitae Variant Classification Sherloc (09022015). Collection method: clinical testing. Allele origin: germline.
Comment: In summary, the available evidence is currently insufficient to determine the role of this variant in disease. Therefore, it has been classified as a Variant of Uncertain Significance. This variant is not present in population databases (ExAC no frequency). This variant has not been reported in the literature in individuals with AXIN2-related conditions. Algorithms developed to predict the effect of missense changes on protein structure and function are either unavailable or do not agree on the potential impact of this missense change (SIFT: "Tolerated"; PolyPhen-2: "Probably Damaging"; Align-GVGD: "Class C0"). This sequence change replaces glutamine with lysine at codon 164 of the AXIN2 protein (p.Gln164Lys). The glutamine residue is highly conserved and there is a small physicochemical difference between glutamine and lysine.

NM_004655.4(AXIN2):c.490C>A (p.Gln164Lys)

Gene: AXIN2 (axin 2; minus strand). Cytogenetic location: 17q24.1.
Variant type: single nucleotide variant.
Coding change: c.490C>A on transcript NM_004655.4 (MANE Select); coding-DNA position 490, C replaced by A.
Protein change: p.Gln164Lys; replaces glutamine 164 with lysine.
Molecular consequence: missense variant.
Genome position (GRCh38, 1-based): chr17:65,558,131, G>T on the plus strand (C>A on the coding strand, the complement: AXIN2 is on the minus strand). VCF-style: chr17-65558131-G-T. GRCh37 (hg19) VCF-style: chr17-63554249-G-T.
Other names: c.490C>A, p.Gln164Lys (NM_001363813.1); short protein forms Q164K.
Identifiers: ClinVar variation 1485319 (VCV001485319.8), dbSNP rs2144585275, ClinGen allele CA400681199.
Genomic context (GRCh38, chr17:65,558,131, plus strand): 5'-CCTCCATCACCGACTGGATCTCGGTCTGCGCCTGGTCAAACATGATGGAATCAATCTGCT[G>T]CTTCTTGATGCCATCTCTTATGTAGGTCTTGGTGGCAGGCTTCAGCTGCTTGGAGACAAT-3'
Protein context (NP_004646.3, residues 154-174): KTYIRDGIKK[Gln164Lys]QIDSIMFDQA